The following is an entry in ClinVar:

NM_005677.4(COLQ):c.473A>C (p.Lys158Thr)

Gene: COLQ (collagen like tail subunit of asymmetric acetylcholinesterase; minus strand). Cytogenetic location: 3p25.1.
Variant type: single nucleotide variant.
Coding change: c.473A>C on transcript NM_005677.4 (MANE Select); coding-DNA position 473, A replaced by C.
Protein change: p.Lys158Thr; replaces lysine 158 with threonine.
Molecular consequence: missense variant.
Genome position (GRCh38, 1-based): chr3:15,475,480, T>G on the plus strand (A>C on the coding strand, the complement: COLQ is on the minus strand). VCF-style: chr3-15475480-T-G. GRCh37 (hg19) VCF-style: chr3-15516987-T-G.
Other names: c.443A>C, p.Lys148Thr (NM_080538.2); c.371A>C, p.Lys124Thr (NM_080539.4); short protein forms K158T, K124T, K148T.
Identifiers: ClinVar variation 1359940 (VCV001359940.8), dbSNP rs1278879838, ClinGen allele CA351599111.

ClinVar aggregate classification (germline): Uncertain significance (1 of 4 stars; one submission).

Conditions:
Congenital myasthenic syndrome 5. Identifiers: Orphanet 590, MedGen C1864233, MONDO:0011281, OMIM 603034.

Allele frequency attached by ClinVar (database versions not stated): gnomAD exomes below 0.00001; TOPMed below 0.00001; gnomAD 0.00001.
gnomAD v4.1: 5 of 1,597,794 alleles (0.00031%); highest among the groups gnomAD compares: Non-Finnish European, 0.00043%; no homozygotes.

Submission:

Labcorp Genetics (formerly Invitae), Labcorp
Classification: Uncertain significance for Congenital myasthenic syndrome 5. Last evaluated: 2025-11-24. Review status: criteria provided, single submitter. Criteria: Invitae Variant Classification Sherloc (09022015). Collection method: clinical testing. Allele origin: germline.
Comment: This sequence change replaces lysine, which is basic and polar, with threonine, which is neutral and polar, at codon 158 of the COLQ protein (p.Lys158Thr). This variant is present in population databases (no rsID available, gnomAD 0.007%). This variant has not been reported in the literature in individuals affected with COLQ-related conditions. ClinVar contains an entry for this variant (Variation ID: 1359940). Invitae Evidence Modeling of protein sequence and biophysical properties (such as structural, functional, and spatial information, amino acid conservation, physicochemical variation, residue mobility, and thermodynamic stability) indicates that this missense variant is not expected to disrupt COLQ protein function with a negative predictive value of 80%. In summary, the available evidence is currently insufficient to determine the role of this variant in disease. Therefore, it has been classified as a Variant of Uncertain Significance.